The following is an entry in ClinVar:

ClinVar aggregate classification (germline): Pathogenic/Likely pathogenic. Review status: criteria provided, multiple submitters, no conflicts (2 of 4 stars). 5 submissions from 5 submitters: Pathogenic (3); Likely pathogenic (1). 1 of the submissions does not count toward it. Last evaluated 2026-01-09.

Conditions:
CATARACTS, SPASTIC PARAPLEGIA, AND SPEECH DELAY.
Spastic paraparesis-cataracts-speech delay syndrome (CSPSD). Also called: CATARACTS, SPASTIC PARAPARESIS, AND SPEECH DELAY. Identifiers: Orphanet 615938, MedGen C5543440, MONDO:0036212, OMIM 619338.

Submissions (5):

Undiagnosed Diseases Network, NIH
Classification: Pathogenic for Spastic paraparesis-cataracts-speech delay syndrome. Last evaluated: 2026-01-09. Review status: criteria provided, single submitter. Criteria: ACMG Guidelines, 2015. Collection method: clinical testing. Allele origin: de novo. Inheritance: Autosomal dominant inheritance. Affected: yes. Observed: 1 variant allele, 1 heterozygote. Study: Undiagnosed Diseases Network (NIH), UDN.

Victorian Clinical Genetics Services, Murdoch Childrens Research Institute
Classification: Pathogenic for Spastic paraparesis-cataracts-speech delay syndrome. Last evaluated: 2023-07-17. Review status: criteria provided, single submitter. Criteria: ACMG Guidelines, 2015. Collection method: clinical testing. Allele origin: germline. Inheritance: Autosomal dominant inheritance. Affected: yes.
Comment: Based on the classification scheme VCGS_Germline_v1.3.4, this variant is classified as Pathogenic. Following criteria are met: 0103 - Loss of function and gain of function are known mechanisms of disease in this gene, and are associated with peroxisomal fatty acyl-CoA reductase 1 disorder (MIM#616154) and cataracts, spastic paraparesis, and speech delay (MIM#619338), respectively (PMID: 33239752). (I) 0108 - This gene is associated with both recessive and dominant disease. Biallelic variants in this gene that result in FAR1 deficiency are associated with peroxisomal fatty acyl-CoA reductase 1 disorder (MIM#616154), whereas monoallelic variants with gain of function effect have been associated with cataracts, spastic paraparesis, and speech delay (MIM#619338) (PMID: 33239752). (I) 0200 - Variant is predicted to result in a missense amino acid change from arginine to histidine. (I) 0251 - This variant is heterozygous. (I) 0301 - Variant is absent from gnomAD (both v2 and v3). (SP) 0502 - Missense variant with conflicting in silico predictions and high conservation. (I) 0801 - This variant has strong previous evidence of pathogenicity in unrelated individuals. It has been reported as de novo in four unrelated individuals with autosomal dominant spastic paraparesis, speech delay, gross motor developmental delay and cataracts (PMID: 33239752). (SP) 1001 - This variant has strong functional evidence supporting abnormal protein function. Functional analysis using patient fibroblasts showed the plasmalogen-dependent regulation of FAR1 protein levels is abolished, resulting in uncontrolled ether lipid synthesis and considerable changes in the cellular lipidome (PMID: 33239752). (SP) Legend: (SP) - Supporting pathogenic, (I) - Information, (SB) - Supporting benign

Labcorp Genetics (formerly Invitae), Labcorp
Classification: Pathogenic. Last evaluated: 2022-11-29. Review status: criteria provided, single submitter. Criteria: Invitae Variant Classification Sherloc (09022015). Collection method: clinical testing. Allele origin: germline.
Comment: This sequence change replaces arginine, which is basic and polar, with histidine, which is basic and polar, at codon 480 of the FAR1 protein (p.Arg480His). This variant is not present in population databases (gnomAD no frequency). This missense change has been observed in individual(s) with autosomal dominant FAR1-related conditions (PMID: 33239752). In at least one individual the variant was observed to be de novo. ClinVar contains an entry for this variant (Variation ID: 372689). Algorithms developed to predict the effect of missense changes on protein structure and function (SIFT, PolyPhen-2, Align-GVGD) all suggest that this variant is likely to be tolerated. This variant disrupts the p.Arg480 amino acid residue in FAR1. Other variant(s) that disrupt this residue have been determined to be pathogenic (PMID: 33239752). This suggests that this residue is clinically significant, and that variants that disrupt this residue are likely to be disease-causing. For these reasons, this variant has been classified as Pathogenic.

GeneDx
Classification: Likely pathogenic. Last evaluated: 2015-09-27. Review status: criteria provided, single submitter. Criteria: GeneDx Variant Classification (06012015). Collection method: clinical testing. Allele origin: germline. Affected: yes.
Comment: The R480H variant in the FAR1 gene has not been reported previously as a pathogenic variant, nor as a benign variant, to our knowledge. The R480H variant was not observed in approximately 6,500 individuals of European and African American ancestry in the NHLBI Exome Sequencing Project, indicating it is not a common benign variant in these populations. The R480H variant is a conservative amino acid substitution, which is not likely to impact secondary protein structure as these residues share similar properties. This substitution occurs at a position that is conserved across species. In silico analysis is inconsistent in its predictions as to whether or not the variant is damaging to the protein structure/function. The R480H variant is a strong candidate for a pathogenic variant, however the possibility it may be a rare benign variant cannot be excluded.

OMIM
Classification: Pathogenic for CATARACTS, SPASTIC PARAPLEGIA, AND SPEECH DELAY. Last evaluated: 2021-05-20. Review status: no assertion criteria provided. Collection method: literature only. Allele origin: germline. Not counted in ClinVar's aggregate classification.

Literature cited by the submitters: PubMed 33239752 (cited by 3 submitters).

NM_032228.6(FAR1):c.1439G>A (p.Arg480His)

Gene: FAR1 (fatty acyl-CoA reductase 1; plus strand). Cytogenetic location: 11p15.3.
Variant type: single nucleotide variant.
Coding change: c.1439G>A on transcript NM_032228.6 (MANE Select); coding-DNA position 1439, G replaced by A.
Protein change: p.Arg480His; replaces arginine 480 with histidine.
Molecular consequence: missense variant.
Genome position (GRCh38, 1-based): chr11:13,728,665, G>A. VCF-style: chr11-13728665-G-A. GRCh37 (hg19) VCF-style: chr11-13750212-G-A.
Other names: p.R480H; short protein forms R480H.
Identifiers: ClinVar variation 372689 (VCV000372689.7), dbSNP rs1057517926, ClinGen allele CA16042832.